The following is an entry in ClinVar:

NM_014283.5(SUCO):c.1946G>A (p.Arg649Gln)

Gene: SUCO (SUN domain containing ossification factor; plus strand). Cytogenetic location: 1q24.3.
Variant type: single nucleotide variant.
Coding change: c.1946G>A on transcript NM_014283.5 (MANE Select); coding-DNA position 1946, G replaced by A.
Protein change: p.Arg649Gln; replaces arginine 649 with glutamine.
Molecular consequence: missense variant. On other transcripts: intron variant (1).
Genome position (GRCh38, 1-based): chr1:172,589,047, G>A. VCF-style: chr1-172589047-G-A. GRCh37 (hg19) VCF-style: chr1-172558187-G-A.
Other names: c.1946G>A (NM_014283.3); c.257G>A, p.Arg86Gln (NM_001282751.2); c.2399G>A, p.Arg800Gln (NM_016227.4); c.1712+123G>A (NM_001282750.2); short protein forms R86Q, R800Q, R649Q.
Identifiers: ClinVar variation 2086231 (VCV002086231.5), dbSNP rs199510939, ClinGen allele CA1246995.

ClinVar aggregate classification (germline): Uncertain significance. Review status: criteria provided, multiple submitters, no conflicts (2 of 4 stars). 2 submissions from 2 submitters: Uncertain significance (2). Last evaluated 2025-12-15.

Allele frequency attached by ClinVar (database versions not stated): TOPMed 0.00010; gnomAD exomes 0.00013; gnomAD 0.00015; 1000 Genomes Project 30x 0.00016; 1000 Genomes Project 0.00020; ExAC 0.00027.
gnomAD v4.1: 213 of 1,613,596 alleles (0.013%); highest among the groups gnomAD compares: Non-Finnish European, 0.013%; no homozygotes.

Submissions (2):

Labcorp Genetics (formerly Invitae), Labcorp
Classification: Uncertain significance. Last evaluated: 2025-12-15. Review status: criteria provided, single submitter. Criteria: Invitae Variant Classification Sherloc (09022015). Collection method: clinical testing. Allele origin: germline.
Comment: This sequence change replaces arginine, which is basic and polar, with glutamine, which is neutral and polar, at codon 649 of the SUCO protein (p.Arg649Gln). This variant is present in population databases (rs199510939, gnomAD 0.09%), and has an allele count higher than expected for a pathogenic variant. This variant has not been reported in the literature in individuals affected with SUCO-related conditions. ClinVar contains an entry for this variant (Variation ID: 2086231). An algorithm developed to predict the effect of missense changes on protein structure and function (PolyPhen-2) suggests that this variant is likely to be tolerated. In summary, the available evidence is currently insufficient to determine the role of this variant in disease. Therefore, it has been classified as a Variant of Uncertain Significance.

Ambry Genetics
Classification: Uncertain significance. Last evaluated: 2023-12-28. Review status: criteria provided, single submitter. Criteria: Ambry Variant Classification Scheme 2023. Collection method: clinical testing. Allele origin: germline.